The following is an entry in ClinVar:

ClinVar aggregate classification (germline): Uncertain significance (1 of 4 stars; one submission).

gnomAD v4.1: 1 of 1,571,380 alleles (0.000064%); highest among the groups gnomAD compares: Non-Finnish European, 0.000088%; no homozygotes.

Submission:

Ambry Genetics
Classification: Uncertain significance. Last evaluated: 2025-02-22. Review status: criteria provided, single submitter. Criteria: Ambry Variant Classification Scheme 2023. Collection method: clinical testing. Allele origin: germline.
Comment: The p.F988V variant (also known as c.2962T>G), located in coding exon 10 of the CDK12 gene, results from a T to G substitution at nucleotide position 2962. The phenylalanine at codon 988 is replaced by valine, an amino acid with highly similar properties. This amino acid position is conserved. In addition, this alteration is predicted to be tolerated by in silico analysis. Based on the available evidence, the clinical significance of this variant remains unclear.

NM_016507.4(CDK12):c.2962T>G (p.Phe988Val)

Gene: CDK12 (cyclin dependent kinase 12; plus strand). Cytogenetic location: 17q12.
Variant type: single nucleotide variant.
Coding change: c.2962T>G on transcript NM_016507.4 (MANE Select); coding-DNA position 2962, T replaced by G.
Protein change: p.Phe988Val; replaces phenylalanine 988 with valine.
Molecular consequence: missense variant.
Genome position (GRCh38, 1-based): chr17:39,517,555, T>G. VCF-style: chr17-39517555-T-G. GRCh37 (hg19) VCF-style: chr17-37673808-T-G.
Other names: c.2962T>G, p.Phe988Val (NM_015083.4); short protein forms F988V.
Identifiers: ClinVar variation 3830705 (VCV003830705.1).